The following is an entry in ClinVar:

NM_001130004.2(ACTN1):c.1652A>G (p.His551Arg)

Gene: ACTN1 (actinin alpha 1; minus strand). Cytogenetic location: 14q24.1.
Variant type: single nucleotide variant.
Coding change: c.1652A>G on transcript NM_001130004.2 (MANE Select); coding-DNA position 1652, A replaced by G.
Protein change: p.His551Arg; replaces histidine 551 with arginine.
Molecular consequence: missense variant. On other transcripts: intron variant (5).
Genome position (GRCh38, 1-based): chr14:68,883,039, T>C on the plus strand (A>G on the coding strand, the complement: ACTN1 is on the minus strand). VCF-style: chr14-68883039-T-C. GRCh37 (hg19) VCF-style: chr14-69349756-T-C.
Other names: c.1652A>G, p.His551Arg (NM_001102.4, NM_001130005.2, NM_001424012.1 and 2 more transcripts); c.1676A>G, p.His559Arg (NM_001411035.1, NM_001424016.1); c.1457A>G, p.His486Arg (NM_001411036.1, NM_001424026.1, NM_001424028.1); c.1778A>G, p.His593Arg (NM_001424013.1); c.1739A>G, p.His580Arg (NM_001424015.1); c.1649A>G, p.His550Arg (NM_001424017.1); c.1613A>G, p.His538Arg (NM_001424018.1); c.1589A>G, p.His530Arg (NM_001424020.1, NM_001424022.1); and 3 more; short protein forms H538R, H550R, H551R, H528R, H530R, H580R, H593R, H276R.
Identifiers: ClinVar variation 4978882 (VCV004978882.1).

ClinVar aggregate classification (germline): Uncertain significance (1 of 4 stars; one submission).

Conditions:
ACTN1-related disorder. Also called: ACTN1-related condition.

Submission:

PreventionGenetics, part of Exact Sciences
Classification: Uncertain significance for ACTN1-related condition. Last evaluated: 2025-03-28. Review status: criteria provided, single submitter. Criteria: ACMG Guidelines, 2015. Collection method: clinical testing. Allele origin: germline.
Comment: The ACTN1 c.1652A>G variant is predicted to result in the amino acid substitution p.His551Arg. To our knowledge, this variant has not been reported in the literature or in a large population database (gnomAD), indicating this variant is rare. At the time of reporting, this variant is absent from the ClinVar database. At this time, the clinical significance of this variant is uncertain due to the absence of conclusive functional and genetic evidence.